The following is an entry in ClinVar:

NM_001200049.3(CFAP46):c.1450C>A (p.Arg484Ser)

Gene: CFAP46 (cilia and flagella associated protein 46; minus strand). Cytogenetic location: 10q26.3.
Variant type: single nucleotide variant.
Coding change: c.1450C>A on transcript NM_001200049.3 (MANE Select); coding-DNA position 1450, C replaced by A.
Protein change: p.Arg484Ser; replaces arginine 484 with serine.
Molecular consequence: missense variant.
Genome position (GRCh38, 1-based): chr10:132,922,515, G>T on the plus strand (C>A on the coding strand, the complement: CFAP46 is on the minus strand). VCF-style: chr10-132922515-G-T. GRCh37 (hg19) VCF-style: chr10-134736019-G-T.
Other names: short protein forms R484S.
Identifiers: ClinVar variation 2640995 (VCV002640995.24), dbSNP rs41302993, ClinGen allele CA5757988.

ClinVar aggregate classification (germline): Likely benign (1 of 4 stars; one submission).

Allele frequency attached by ClinVar (database versions not stated): 1000 Genomes Project 0.00220; 1000 Genomes Project 30x 0.00250.
gnomAD v4.1: 10,114 of 1,545,324 alleles (0.65%); highest among the groups gnomAD compares: Non-Finnish European, 0.66%; 78 homozygotes.

Submission:

CeGaT Center for Human Genetics Tuebingen
Classification: Likely benign. Last evaluated: 2022-12-01. Review status: criteria provided, single submitter. Criteria: CeGaT Center For Human Genetics Tuebingen Variant Classification Criteria Version 2. Collection method: clinical testing. Allele origin: germline. Affected: yes. Observed: 2 variant alleles.
Comment: CFAP46: BP4, BS2